The following is an entry in ClinVar:

NM_001370298.3(FGD4):c.320-339A>G

Gene: FGD4 (FYVE, RhoGEF and PH domain containing 4; plus strand). Cytogenetic location: 12p11.21.
Variant type: single nucleotide variant.
Coding change: c.320-339A>G on transcript NM_001370298.3 (MANE Select); 339 bases into the intron before coding-DNA position 320, A replaced by G.
Molecular consequence: intron variant.
Genome position (GRCh38, 1-based): chr12:32,575,927, A>G. VCF-style: chr12-32575927-A-G. GRCh37 (hg19) VCF-style: chr12-32728861-A-G.
Other names: c.320-339A>G (NM_001384126.1); c.164-339A>G (NM_001304481.2); c.-187-6033A>G (NM_001330374.2, NM_001330373.2, NM_001384130.1); c.-92-339A>G (NM_139241.3, NM_001384127.1, NM_001384131.1 and 3 more transcripts); c.-1243-339A>G (NM_001304484.2); c.48+11638A>G (NM_001370297.1); c.-936-339A>G (NM_001304483.2).
Identifiers: ClinVar variation 673454 (VCV000673454.1), dbSNP rs73305550, ClinGen allele CA235434119.
Genomic context (GRCh38, chr12:32,575,927, plus strand): 5'-TAGAAAACCTGTTTTGTAGCAGACAATGTATCTCTAGGATTTAGTTTTAAATTTAGCATC[A>G]CCTTTTCCCTGTTGAGATGAATAACTGCTGTGTTATCTGTAATAGACCTTAGAATGCTTT-3'

ClinVar aggregate classification (germline): Likely benign (1 of 4 stars; one submission).

Allele frequency attached by ClinVar (database versions not stated): 1000 Genomes Project 0.01298; 1000 Genomes Project 30x 0.01374; gnomAD 0.01427 and 0.01540; TOPMed 0.01584.
gnomAD v4.1: 2,153 of 152,314 alleles (1.4%); highest among the groups gnomAD compares: African/African-American, 4.8%; 46 homozygotes.

Submission:

GeneDx
Classification: Likely benign. Last evaluated: 2018-06-16. Review status: criteria provided, single submitter. Criteria: GeneDx Variant Classification (06012015). Collection method: clinical testing. Allele origin: germline. Affected: yes.
Comment: This variant is considered likely benign or benign based on one or more of the following criteria: it is a conservative change, it occurs at a poorly conserved position in the protein, it is predicted to be benign by multiple in silico algorithms, and/or has population frequency not consistent with disease.